The following is an entry in ClinVar:

ClinVar aggregate classification (germline): Uncertain significance. Review status: criteria provided, multiple submitters, no conflicts (2 of 4 stars). 3 submissions from 3 submitters: Uncertain significance (3). Last evaluated 2024-05-13.

Conditions:
Breast and/or ovarian cancer. Identifiers: MedGen CN221562.
Hereditary nonpolyposis colorectal neoplasms. Identifiers: MedGen C0009405, MeSH D003123.
Hereditary cancer-predisposing syndrome. Also called: Neoplastic Syndromes, Hereditary; Tumor predisposition; Hereditary Cancer Syndrome; Hereditary neoplastic syndrome. Identifiers: Orphanet 140162, MedGen C0027672, MeSH D009386, MONDO:0015356.

Submissions (3):

Labcorp Genetics (formerly Invitae), Labcorp
Classification: Uncertain significance for Hereditary nonpolyposis colorectal neoplasms. Last evaluated: 2024-05-13. Review status: criteria provided, single submitter. Criteria: Invitae Variant Classification Sherloc (09022015). Collection method: clinical testing. Allele origin: germline.
Comment: This sequence change replaces serine, which is neutral and polar, with cysteine, which is neutral and slightly polar, at codon 261 of the MSH6 protein (p.Ser261Cys). This variant is not present in population databases (gnomAD no frequency). This variant has not been reported in the literature in individuals affected with MSH6-related conditions. ClinVar contains an entry for this variant (Variation ID: 919409). Advanced modeling of protein sequence and biophysical properties (such as structural, functional, and spatial information, amino acid conservation, physicochemical variation, residue mobility, and thermodynamic stability) performed at Invitae indicates that this missense variant is not expected to disrupt MSH6 protein function with a negative predictive value of 95%. In summary, the available evidence is currently insufficient to determine the role of this variant in disease. Therefore, it has been classified as a Variant of Uncertain Significance.

CHEO Genetics Diagnostic Laboratory, Children's Hospital of Eastern Ontario
Classification: Uncertain significance for Breast and/or ovarian cancer. Last evaluated: 2022-07-26. Review status: criteria provided, single submitter. Criteria: ACMG Guidelines, 2015. Collection method: clinical testing. Allele origin: germline.

Color Diagnostics, LLC DBA Color Health
Classification: Uncertain significance for Hereditary cancer-predisposing syndrome. Last evaluated: 2020-03-09. Review status: criteria provided, single submitter. Criteria: ACMG Guidelines, 2015. Collection method: clinical testing. Allele origin: germline.
Comment: This missense variant replaces serine with cysteine at codon 261 of the MSH6 protein. Computational prediction is inconclusive regarding the impact of this variant on protein structure and function (internally defined REVEL score threshold 0.5 < inconclusive < 0.7, PMID: 27666373). Splice site prediction tools suggest that this variant may not impact RNA splicing. To our knowledge, functional studies have not been reported for this variant. This variant has not been reported in individuals affected with hereditary cancer in the literature. This variant has not been identified in the general population by the Genome Aggregation Database (gnomAD). The available evidence is insufficient to determine the role of this variant in disease conclusively. Therefore, this variant is classified as a Variant of Uncertain Significance.

NM_000179.3(MSH6):c.782C>G (p.Ser261Cys)

Gene: MSH6 (mutS homolog 6; plus strand). Cytogenetic location: 2p16.3.
Variant type: single nucleotide variant.
Coding change: c.782C>G on transcript NM_000179.3 (MANE Select); coding-DNA position 782, C replaced by G.
Protein change: p.Ser261Cys; replaces serine 261 with cysteine.
Molecular consequence: missense variant. On other transcripts: 5 prime UTR variant (2).
Genome position (GRCh38, 1-based): chr2:47,798,765, C>G. VCF-style: chr2-47798765-C-G. GRCh37 (hg19) VCF-style: chr2-48025904-C-G.
Other names: c.392C>G, p.Ser131Cys (NM_001281492.2); c.-125C>G (NM_001281493.2, NM_001281494.2); short protein forms S131C, S261C.
Identifiers: ClinVar variation 919409 (VCV000919409.7), dbSNP rs876661250, ClinGen allele CA346740255.